The following is an entry in ClinVar:

NM_020843.4(SCAPER):c.1426A>G (p.Met476Val)

Gene: SCAPER (S-phase cyclin A associated protein in the ER; minus strand). Cytogenetic location: 15q24.3.
Variant type: single nucleotide variant.
Coding change: c.1426A>G on transcript NM_020843.4 (MANE Select); coding-DNA position 1426, A replaced by G.
Protein change: p.Met476Val; replaces methionine 476 with valine.
Molecular consequence: missense variant. On other transcripts: non-coding transcript variant (1).
Genome position (GRCh38, 1-based): chr15:76,765,632, T>C on the plus strand (A>G on the coding strand, the complement: SCAPER is on the minus strand). VCF-style: chr15-76765632-T-C. GRCh37 (hg19) VCF-style: chr15-77057973-T-C.
Other names: c.688A>G, p.Met230Val (NM_001145923.2); c.1444A>G, p.Met482Val (NM_001353009.2); c.1024A>G, p.Met342Val (NM_001353010.2, NM_001353012.2); c.1042A>G, p.Met348Val (NM_001353011.2); short protein forms M230V, M342V, M348V, M476V, M482V.
Identifiers: ClinVar variation 3346590 (VCV003346590.1).

ClinVar aggregate classification (germline): Uncertain significance (0 of 4 stars; one submission).

Conditions:
SCAPER-related disorder. Also called: SCAPER-related condition.

Submission:

PreventionGenetics, part of Exact Sciences
Classification: Uncertain significance for SCAPER-related condition. Last evaluated: 2024-08-23. Review status: no assertion criteria provided. Collection method: clinical testing. Allele origin: germline.
Comment: The SCAPER c.1444A>G variant is predicted to result in the amino acid substitution p.Met482Val. To our knowledge, this variant has not been reported in the literature or in a large population database, indicating this variant is rare. At this time, the clinical significance of this variant is uncertain due to the absence of conclusive functional and genetic evidence.